The following is an entry in ClinVar:

NM_000169.3(GLA):c.320A>T (p.Gln107Leu)

Genes: GLA (galactosidase alpha; minus strand), RPL36A-HNRNPH2 (RPL36A-HNRNPH2 readthrough; plus strand). Cytogenetic location: Xq22.1.
Variant type: single nucleotide variant.
Coding change: c.320A>T on transcript NM_000169.3 (MANE Select); coding-DNA position 320, A replaced by T.
Protein change: p.Gln107Leu; replaces glutamine 107 with leucine.
Molecular consequence: missense variant. On other transcripts: non-coding transcript variant (3), intron variant (2).
Genome position (GRCh38, 1-based): chrX:101,403,860, T>A on the plus strand (A>T on the coding strand, the complement: GLA is on the minus strand). VCF-style: chrX-101403860-T-A. GRCh37 (hg19) VCF-style: chrX-100658848-T-A.
Other names: c.443A>T, p.Gln148Leu (NM_001406747.1, NM_001406749.1); c.320A>T, p.Gln107Leu (NM_001406748.1); c.301-8076T>A (NM_001199973.2); c.178-8076T>A (NM_001199974.2); short protein forms Q107L, Q148L.
Identifiers: ClinVar variation 4087340 (VCV004087340.2).

ClinVar aggregate classification (germline): Uncertain significance (1 of 4 stars; one submission).

Conditions:
Fabry disease. Also called: ALPHA-GALACTOSIDASE A DEFICIENCY; ANDERSON-FABRY DISEASE; CERAMIDE TRIHEXOSIDASE DEFICIENCY; GLA DEFICIENCY; HEREDITARY DYSTOPIC LIPIDOSIS; Angiokeratoma corporis diffusum. Identifiers: Orphanet 324, MedGen C0002986, MONDO:0010526, OMIM 301500, HP:0001071. Disease mechanism: Fabry disease is due to inactivating mutations in the X-linked GLA gene resulting in deficiency of the enzyme Alpha Galactosidase-A., loss of function.

Submission:

Genomenon, Inc
Classification: Uncertain significance for Fabry disease. Last evaluated: 2026-09-08. Review status: criteria provided, single submitter. Criteria: Genomenon Sequence Variant Interpretation Standards - Updated. Collection method: curation. Allele origin: germline. Affected: yes.
Comment: GLA p.Gln107Leu (c.320A>T) is a missense variant that changes the amino acid at codon 107 from Glutamine to Leucine. This variant has been observed in at least one proband with clinical features consistent with Fabry disease (PMID:20495958). Functional or patient cell studies have been reported (PMID:20495958;27657681). It is absent or not present at a significant frequency in gnomAD. In silico models predict that this variant is possibly or probably damaging. In conclusion, we classify GLA p.Gln107Leu (c.320A>T) as a variant of uncertain significance.

Literature cited by the submitters: PubMed 20495958; PubMed 27657681.